The following is an entry in ClinVar:

NM_001127649.3(PEX26):c.297G>A (p.Trp99Ter)

Gene: PEX26 (peroxisomal biogenesis factor 26; plus strand). Cytogenetic location: 22q11.21.
Variant type: single nucleotide variant.
Coding change: c.297G>A on transcript NM_001127649.3 (MANE Select); coding-DNA position 297, G replaced by A.
Protein change: p.Trp99Ter; replaces tryptophan 99 with a stop codon.
Molecular consequence: nonsense.
Genome position (GRCh38, 1-based): chr22:18,079,940, G>A. VCF-style: chr22-18079940-G-A. GRCh37 (hg19) VCF-style: chr22-18562706-G-A.
Other names: c.297G>A, p.Trp99Ter (NM_001199319.2, NM_017929.6); short protein forms W99*.
Identifiers: ClinVar variation 2942557 (VCV002942557.3), dbSNP rs2517666120, ClinGen allele CA410265696.

ClinVar aggregate classification (germline): Pathogenic (1 of 4 stars; one submission).

Conditions:
Peroxisome biogenesis disorder 7A (Zellweger). Also called: Peroxisome biogenesis disorder 7A. Identifiers: Orphanet 912, MedGen C3888385, MONDO:0013938, OMIM 614872.
Peroxisome biogenesis disorder 7B (PBD7B). Identifiers: Orphanet 44, MedGen C3553951, MONDO:0013939, OMIM 614873.

Submission:

Labcorp Genetics (formerly Invitae), Labcorp
Classification: Pathogenic for Peroxisome biogenesis disorder 7A (Zellweger); Peroxisome biogenesis disorder 7B. Last evaluated: 2023-11-10. Review status: criteria provided, single submitter. Criteria: Invitae Variant Classification Sherloc (09022015). Collection method: clinical testing. Allele origin: germline.
Comment: This sequence change creates a premature translational stop signal (p.Trp99*) in the PEX26 gene. It is expected to result in an absent or disrupted protein product. Loss-of-function variants in PEX26 are known to be pathogenic (PMID: 12851857, 21031596). This variant is not present in population databases (gnomAD no frequency). This premature translational stop signal has been observed in individual(s) with clinical features of Zellweger spectrum disorder (PMID: 15542397). For these reasons, this variant has been classified as Pathogenic.

Literature cited by the submitters: PubMed 12851857; PubMed 21031596; PubMed 15542397.